The following is an entry in ClinVar:

ClinVar aggregate classification (germline): Uncertain significance (1 of 4 stars; one submission).

Submission:

Labcorp Genetics (formerly Invitae), Labcorp
Classification: Uncertain significance. Last evaluated: 2021-01-25. Review status: criteria provided, single submitter. Criteria: Invitae Variant Classification Sherloc (09022015). Collection method: clinical testing. Allele origin: germline.
Comment: In summary, the available evidence is currently insufficient to determine the role of this variant in disease. Therefore, it has been classified as a Variant of Uncertain Significance. Algorithms developed to predict the effect of missense changes on protein structure and function are either unavailable or do not agree on the potential impact of this missense change (SIFT: "Deleterious"; PolyPhen-2: "Possibly Damaging"; Align-GVGD: "Class C0"). This sequence change replaces lysine with asparagine at codon 758 of the RBP3 protein (p.Lys758Asn). The lysine residue is highly conserved and there is a moderate physicochemical difference between lysine and asparagine. This variant is not present in population databases (ExAC no frequency). This variant has not been reported in the literature in individuals with RBP3-related conditions.

NM_002900.3(RBP3):c.2274G>C (p.Lys758Asn)

Gene: RBP3 (retinol binding protein 3; plus strand). Cytogenetic location: 10q11.22.
Variant type: single nucleotide variant.
Coding change: c.2274G>C on transcript NM_002900.3 (MANE Select); coding-DNA position 2274, G replaced by C.
Protein change: p.Lys758Asn; replaces lysine 758 with asparagine.
Molecular consequence: missense variant.
Genome position (GRCh38, 1-based): chr10:47,350,758, G>C. VCF-style: chr10-47350758-G-C. GRCh37 (hg19) VCF-style: chr10-48388604-C-G.
Other names: short protein forms K758N.
Identifiers: ClinVar variation 1504551 (VCV001504551.8), dbSNP rs1290352347, ClinGen allele CA376672730.